The following is an entry in ClinVar:

ClinVar aggregate classification (germline): Uncertain significance. Review status: criteria provided, multiple submitters, no conflicts (2 of 4 stars). 2 submissions from 2 submitters: Uncertain significance (2). Last evaluated 2022-07-19.

Allele frequency attached by ClinVar (database versions not stated): ExAC 0.00002; gnomAD exomes 0.00002 and 0.00009; TOPMed 0.00002; gnomAD 0.00003.
gnomAD v4.1: 128 of 1,614,070 alleles (0.0079%); highest among the groups gnomAD compares: Non-Finnish European, 0.011%; no homozygotes.

Submissions (2):

Labcorp Genetics (formerly Invitae), Labcorp
Classification: Uncertain significance. Last evaluated: 2022-07-19. Review status: criteria provided, single submitter. Criteria: Invitae Variant Classification Sherloc (09022015). Collection method: clinical testing. Allele origin: germline.
Comment: This sequence change replaces lysine, which is basic and polar, with arginine, which is basic and polar, at codon 91 of the CYP4V2 protein (p.Lys91Arg). This variant is present in population databases (rs770301714, gnomAD 0.003%). This variant has not been reported in the literature in individuals affected with CYP4V2-related conditions. ClinVar contains an entry for this variant (Variation ID: 1424951). Advanced modeling of protein sequence and biophysical properties (such as structural, functional, and spatial information, amino acid conservation, physicochemical variation, residue mobility, and thermodynamic stability) performed at Invitae indicates that this missense variant is expected to disrupt CYP4V2 protein function. In summary, the available evidence is currently insufficient to determine the role of this variant in disease. Therefore, it has been classified as a Variant of Uncertain Significance.

Blueprint Genetics
Classification: Uncertain significance. Last evaluated: 2022-06-08. Review status: criteria provided, single submitter. Criteria: ACMG Guidelines, 2015. Collection method: clinical testing. Allele origin: germline.

NM_207352.4(CYP4V2):c.272A>G (p.Lys91Arg)

Gene: CYP4V2 (cytochrome P450 family 4 subfamily V member 2; plus strand). Cytogenetic location: 4q35.1.
Variant type: single nucleotide variant.
Coding change: c.272A>G on transcript NM_207352.4 (MANE Select); coding-DNA position 272, A replaced by G.
Protein change: p.Lys91Arg; replaces lysine 91 with arginine.
Molecular consequence: missense variant.
Genome position (GRCh38, 1-based): chr4:186,194,557, A>G. VCF-style: chr4-186194557-A-G. GRCh37 (hg19) VCF-style: chr4-187115711-A-G.
Other names: short protein forms K91R.
Identifiers: ClinVar variation 1424951 (VCV001424951.6), dbSNP rs770301714, ClinGen allele CA3162488.